The following is an entry in ClinVar:

NM_000157.4(GBA1):c.408_412del (p.Pro137fs)

Genes: GBA1 (glucosylceramidase beta 1; minus strand), LOC106627981 (GBA recombination region; plus strand). Cytogenetic location: 1q22.
Variant type: Deletion.
Coding change: c.408_412del on transcript NM_000157.4 (MANE Select); coding-DNA positions 408 to 412, 5 bases deleted (ACCCC; older notation c.408_412delACCCC).
Protein change: p.Pro137fs; shifts the reading frame from proline 137.
Molecular consequence: frameshift variant. On other transcripts: intron variant (1).
Genome position (GRCh38, 1-based): chr1:155,239,658-155,239,662, GGGGT deleted on the plus strand (ACCCC on the coding strand, the reverse complement: GBA1 is on the minus strand); deleting any 5 consecutive bases within chr1:155,239,658-155,239,663 gives the same sequence; the c. name uses the placement nearest the transcript's 3' end. VCF-style (leftmost placement, unchanged base first): chr1-155239657-GGGGGT-G. GRCh37 (hg19) VCF-style: chr1-155209448-GGGGGT-G.
Other names: c.408_412del, p.Pro137fs (NM_001005741.3, NM_001005742.3); c.147_151del, p.Pro50fs (NM_001171811.2); c.307+224_307+228del (NM_001171812.2); c.408_412delACCCC (NM_000157.3); short protein forms P137fs, P50fs.
Identifiers: ClinVar variation 1322986 (VCV001322986.6), dbSNP rs2148079453, ClinGen allele CA913067692.
Genomic context (GRCh38, chr1:155,239,657, plus strand): 5'-TTGTCCCCTTCCTCCTCACCTTCTTCAGAGAAGTACGATTTAAGTAGCAAATTTTGGGCA[GGGGGT>G]GACAGGGCAAGGATGTTGAGAGCAGCAGCATCTGTCATGGCCCCTCCAAATCCCTTCACT-3'

ClinVar aggregate classification (germline): Pathogenic/Likely pathogenic. Review status: criteria provided, multiple submitters, no conflicts (2 of 4 stars). 3 submissions from 3 submitters: Pathogenic (1); Likely pathogenic (2). Last evaluated 2025-11-12.

Conditions:
Gaucher disease. Also called: Acute cerebral Gaucher disease; Cerebroside lipidosis syndrome; Gaucher splenomegaly; Sphingolipidosis 1; Glucocerebrosidosis; Glucosylceramidase deficiency. Identifiers: Orphanet 355, MedGen C0017205, MONDO:0018150.

Submissions (3):

Natera, Inc.
Classification: Likely pathogenic for Gaucher disease. Last evaluated: 2025-11-12. Review status: criteria provided, single submitter. Criteria: Natera Variant Classification Schema (03/2026). Collection method: clinical testing. Allele origin: germline.
Comment: The c.408_412delACCCC variant in GBA1 is a frameshift variant predicted to shift the reading frame beginning at codon 137 and leads to a stop codon 7 codons downstream. This variant is expected to result in nonsense mediated decay, truncation, or a dysfunctional protein product. This variant is rare in the general population with a frequency below the threshold expected for the associated phenotype(s). Given the available evidence, this variant is classified as Likely Pathogenic.

GeneDx
Classification: Likely pathogenic. Last evaluated: 2024-08-15. Review status: criteria provided, single submitter. Criteria: GeneDx Variant Classification Process June 2021. Collection method: clinical testing. Allele origin: germline. Affected: yes.
Comment: Observed in a patient with Gaucher disease in published literature; however, additional clinical information and segregation studies were not provided (PMID: 34134921); Frameshift variant predicted to result in protein truncation or nonsense mediated decay in a gene for which loss of function is a known mechanism of disease; Not observed at significant frequency in large population cohorts (gnomAD); Also known as p.(P98Cfs*7); This variant is associated with the following publications: (PMID: 34134921)

Revvity Omics, Revvity
Classification: Pathogenic. Last evaluated: 2019-08-20. Review status: criteria provided, single submitter. Criteria: ACMG Guidelines, 2015. Collection method: clinical testing. Allele origin: germline.